The following is an entry in ClinVar:

NM_001134407.3(GRIN2A):c.2717_2719del (p.Ser906del)

Gene: GRIN2A (glutamate ionotropic receptor NMDA type subunit 2A; minus strand). Cytogenetic location: 16p13.2.
Variant type: Deletion.
Coding change: c.2717_2719del on transcript NM_001134407.3 (MANE Select); coding-DNA positions 2717 to 2719, 3 bases deleted (GCA; older notation c.2717_2719delGCA).
Protein change: p.Ser906del; deletes serine 906.
Molecular consequence: inframe deletion.
Genome position (GRCh38, 1-based): chr16:9,764,825-9,764,827, TGC deleted on the plus strand (GCA on the coding strand, the reverse complement: GRIN2A is on the minus strand); deleting any 3 consecutive bases within chr16:9,764,825-9,764,829 gives the same sequence; the c. name uses the placement nearest the transcript's 3' end. VCF-style (leftmost placement, unchanged base first): chr16-9764824-ATGC-A. GRCh37 (hg19) VCF-style: chr16-9858681-ATGC-A.
Other names: c.2717_2719del, p.Ser906del (NM_000833.5, NM_001134408.2); short protein forms S906del.
Identifiers: ClinVar variation 4730062 (VCV004730062.1).

ClinVar aggregate classification (germline): Uncertain significance (1 of 4 stars; one submission).

Conditions:
Landau-Kleffner syndrome (FESD). Also called: EPILEPSY, FOCAL, WITH SPEECH DISORDER AND WITH OR WITHOUT MENTAL RETARDATION; APHASIA, ACQUIRED, WITH EPILEPSY. Identifiers: Orphanet 1945, Orphanet 725, Orphanet 98818, MedGen C0282512, MONDO:0009509, OMIM 245570.

Submission:

Labcorp Genetics (formerly Invitae), Labcorp
Classification: Uncertain significance for Landau-Kleffner syndrome. Last evaluated: 2025-10-27. Review status: criteria provided, single submitter. Criteria: Invitae Variant Classification Sherloc (09022015). Collection method: clinical testing. Allele origin: germline.
Comment: This variant, c.2717_2719del, results in the deletion of 1 amino acid(s) of the GRIN2A protein (p.Ser906del), but otherwise preserves the integrity of the reading frame. This variant is not present in population databases (gnomAD no frequency). This variant has not been reported in the literature in individuals affected with GRIN2A-related conditions. Experimental studies and prediction algorithms are not available or were not evaluated, and the functional significance of this variant is currently unknown. In summary, the available evidence is currently insufficient to determine the role of this variant in disease. Therefore, it has been classified as a Variant of Uncertain Significance.